The following is an entry in ClinVar:

ClinVar aggregate classification (germline): Uncertain significance (1 of 4 stars; one submission).

Conditions:
Mosaic variegated aneuploidy syndrome 1 (MVA1). Also called: Warburton-Anyane-Yeboa syndrome. Identifiers: Orphanet 1052, MedGen C1850343, MONDO:0009759, OMIM 257300.

Allele frequency attached by ClinVar (database versions not stated): gnomAD exomes below 0.00001.
gnomAD v4.1: 5 of 1,614,166 alleles (0.00031%); highest among the groups gnomAD compares: Non-Finnish European, 0.00042%; no homozygotes.

Submission:

Labcorp Genetics (formerly Invitae), Labcorp
Classification: Uncertain significance for Mosaic variegated aneuploidy syndrome 1. Last evaluated: 2024-02-17. Review status: criteria provided, single submitter. Criteria: Invitae Variant Classification Sherloc (09022015). Collection method: clinical testing. Allele origin: germline.
Comment: This sequence change replaces tyrosine, which is neutral and polar, with cysteine, which is neutral and slightly polar, at codon 162 of the BUB1B protein (p.Tyr162Cys). This variant is not present in population databases (gnomAD no frequency). This variant has not been reported in the literature in individuals affected with BUB1B-related conditions. ClinVar contains an entry for this variant (Variation ID: 1363643). An algorithm developed to predict the effect of missense changes on protein structure and function (PolyPhen-2) suggests that this variant is likely to be disruptive. In summary, the available evidence is currently insufficient to determine the role of this variant in disease. Therefore, it has been classified as a Variant of Uncertain Significance.

NM_001211.6(BUB1B):c.485A>G (p.Tyr162Cys)

Gene: BUB1B (BUB1 mitotic checkpoint serine/threonine kinase B; plus strand). Cytogenetic location: 15q15.1.
Variant type: single nucleotide variant.
Coding change: c.485A>G on transcript NM_001211.6 (MANE Select); coding-DNA position 485, A replaced by G.
Protein change: p.Tyr162Cys; replaces tyrosine 162 with cysteine.
Molecular consequence: missense variant.
Genome position (GRCh38, 1-based): chr15:40,176,577, A>G. VCF-style: chr15-40176577-A-G. GRCh37 (hg19) VCF-style: chr15-40468778-A-G.
Other names: short protein forms Y162C.
Identifiers: ClinVar variation 1363643 (VCV001363643.6), dbSNP rs1555381180, ClinGen allele CA391681262.